The following is an entry in ClinVar:

NM_006421.5(ARFGEF1):c.205A>C (p.Lys69Gln)

Gene: ARFGEF1 (ARF guanine nucleotide exchange factor 1; minus strand). Cytogenetic location: 8q13.2.
Variant type: single nucleotide variant.
Coding change: c.205A>C on transcript NM_006421.5 (MANE Select); coding-DNA position 205, A replaced by C.
Protein change: p.Lys69Gln; replaces lysine 69 with glutamine.
Molecular consequence: missense variant. On other transcripts: 5 prime UTR variant (4), non-coding transcript variant (1).
Genome position (GRCh38, 1-based): chr8:67,301,331, T>G on the plus strand (A>C on the coding strand, the complement: ARFGEF1 is on the minus strand). VCF-style: chr8-67301331-T-G. GRCh37 (hg19) VCF-style: chr8-68213566-T-G.
Other names: c.205A>C, p.Lys69Gln (NM_001413184.1, NM_001413185.1, NM_001413186.1 and 7 more transcripts); c.-396A>C (NM_001413188.1, NM_001413193.1, NM_001413197.1); c.-911A>C (NM_001413196.1); short protein forms K69Q.
Identifiers: ClinVar variation 5020650 (VCV005020650.1).

ClinVar aggregate classification (germline): Uncertain significance (1 of 4 stars; one submission).

gnomAD v4.1: 1 of 1,614,112 alleles (0.000062%); highest among the groups gnomAD compares: Non-Finnish European, 0.000085%; no homozygotes.

Submission:

Dasa
Classification: Uncertain significance. Last evaluated: 2026-04-30. Review status: criteria provided, single submitter. Criteria: DASA Assertion Criteria. Collection method: clinical testing. Allele origin: germline.
Comment: NM_006421.5(ARFGEF1):c.205A>C (p.Lys69Gln) is a missense variant that results in the substitution of lysine with glutamine. This variant is rare in population databases. The currently available literature and clinical evidence are not sufficient to establish a definitive association between this variant and the reported condition. Therefore, this variant is classified as a variant of uncertain significance.